The following is an entry in ClinVar:

NM_177438.3(DICER1):c.243G>A (p.Leu81=)

Gene: DICER1 (dicer 1, ribonuclease III; minus strand). Cytogenetic location: 14q32.13.
Variant type: single nucleotide variant.
Coding change: c.243G>A on transcript NM_177438.3 (MANE Select); coding-DNA position 243, G replaced by A.
Protein change: p.Leu81=; no amino-acid change (leucine 81 retained).
Molecular consequence: synonymous variant.
Genome position (GRCh38, 1-based): chr14:95,132,579, C>T on the plus strand (G>A on the coding strand, the complement: DICER1 is on the minus strand). VCF-style: chr14-95132579-C-T. GRCh37 (hg19) VCF-style: chr14-95598916-C-T.
Other names: c.243G>A, p.Leu81= (NM_001195573.1, NM_001271282.3, NM_001291628.2 and 1 more transcripts).
Identifiers: ClinVar variation 242063 (VCV000242063.20), dbSNP rs761966110, ClinGen allele CA10583230.

ClinVar aggregate classification (germline): Benign/Likely benign. Review status: criteria provided, multiple submitters, no conflicts (2 of 4 stars). 4 submissions from 4 submitters: Benign (1); Likely benign (3). Last evaluated 2026-04-14.

Conditions:
Hereditary cancer-predisposing syndrome. Also called: Hereditary neoplastic syndrome; Neoplastic Syndromes, Hereditary; Hereditary Cancer Syndrome; Tumor predisposition. Identifiers: Orphanet 140162, MedGen C0027672, MeSH D009386, MONDO:0015356.
DICER1-related tumor predisposition. Also called: DICER1-related pleuropulmonary blastoma cancer predisposition syndrome; DICER1 syndrome. Identifiers: Orphanet 284343, MedGen C3839822, MONDO:0100216.

Allele frequency attached by ClinVar (database versions not stated): TOPMed 0.00001.
gnomAD v4.1: 4 of 1,613,996 alleles (0.00025%); highest among the groups gnomAD compares: Admixed American, 0.0017%; no homozygotes.

Submissions (4):

Myriad Genetics, Inc.
Classification: Benign for DICER1-related tumor predisposition. Last evaluated: 2026-04-14. Review status: criteria provided, single submitter. Criteria: Myriad Autosomal Dominant, Autosomal Recessive and X-Linked Classification Criteria (2023). Collection method: clinical testing. Allele origin: unknown.
Comment: This variant is considered benign. This variant is a silent/synonymous amino acid change and it is not expected to impact splicing.

Labcorp Genetics (formerly Invitae), Labcorp
Classification: Likely benign for DICER1-related tumor predisposition. Last evaluated: 2025-10-01. Review status: criteria provided, single submitter. Criteria: Invitae Variant Classification Sherloc (09022015). Collection method: clinical testing. Allele origin: germline.

Center for Genomic Medicine, Rigshospitalet, Copenhagen University Hospital
Classification: Likely benign. Last evaluated: 2025-03-04. Review status: criteria provided, single submitter. Criteria: ACMG Guidelines, 2015. Collection method: clinical testing. Allele origin: germline.

Ambry Genetics
Classification: Likely benign for Hereditary cancer-predisposing syndrome. Last evaluated: 2018-11-28. Review status: criteria provided, single submitter. Criteria: Ambry Variant Classification Scheme 2023. Collection method: clinical testing. Allele origin: germline.